The following is an entry in ClinVar:

NM_000554.6(CRX):c.119G>T (p.Arg40Leu)

Gene: CRX (cone-rod homeobox; plus strand). Cytogenetic location: 19q13.33.
Variant type: single nucleotide variant.
Coding change: c.119G>T on transcript NM_000554.6 (MANE Select); coding-DNA position 119, G replaced by T.
Protein change: p.Arg40Leu; replaces arginine 40 with leucine.
Molecular consequence: missense variant.
Genome position (GRCh38, 1-based): chr19:47,836,261, G>T. VCF-style: chr19-47836261-G-T. GRCh37 (hg19) VCF-style: chr19-48339518-G-T.
Other names: short protein forms R40L.
Identifiers: ClinVar variation 3757334 (VCV003757334.3).
Genomic context (GRCh38, chr19:47,836,261, plus strand): 5'-CATGTGGATGACCTGAGGGTCCTGTTTCCCATCCCACCCCAGGCGCCCCCAGGAAGCAGC[G>T]GCGGGAGCGCACCACCTTCACCCGGAGCCAACTGGAGGAGCTGGAGGCACTGTTTGCCAA-3'
Protein context (NP_000545.1, residues 30-50): VPYPSAPRKQ[Arg40Leu]RERTTFTRSQ

ClinVar aggregate classification (germline): Conflicting classifications of pathogenicity. Review status: criteria provided, conflicting classifications (1 of 4 stars). 2 submissions from 2 submitters: Likely pathogenic (1); Uncertain significance (1). Last evaluated 2024-07-21.

Conditions:
CRX-related disorders.
Leber congenital amaurosis 7 (LCA7). Identifiers: Orphanet 65, MedGen C3151192, MONDO:0013449, OMIM 613829.
Cone-rod dystrophy 2 (CORD2). Also called: CONE-ROD RETINAL DYSTROPHY; Cone-rod retinal dystrophy 2. Identifiers: Orphanet 1872, MedGen C3489532, MONDO:0007362, OMIM 120970.

Submissions (2):

Labcorp Genetics (formerly Invitae), Labcorp
Classification: Uncertain significance for Cone-rod dystrophy 2; Leber congenital amaurosis 7. Last evaluated: 2024-07-21. Review status: criteria provided, single submitter. Criteria: Invitae Variant Classification Sherloc (09022015). Collection method: clinical testing. Allele origin: germline.
Comment: This sequence change replaces arginine, which is basic and polar, with leucine, which is neutral and non-polar, at codon 40 of the CRX protein (p.Arg40Leu). This variant is not present in population databases (gnomAD no frequency). This variant has not been reported in the literature in individuals affected with CRX-related conditions. Advanced modeling of protein sequence and biophysical properties (such as structural, functional, and spatial information, amino acid conservation, physicochemical variation, residue mobility, and thermodynamic stability) performed at Invitae indicates that this missense variant is expected to disrupt CRX protein function with a positive predictive value of 80%. This variant disrupts the p.Arg40 amino acid residue in CRX. Other variant(s) that disrupt this residue have been determined to be pathogenic (PMID: 28041643, 32581362, 32927963). This suggests that this residue is clinically significant, and that variants that disrupt this residue are likely to be disease-causing. In summary, the available evidence is currently insufficient to determine the role of this variant in disease. Therefore, it has been classified as a Variant of Uncertain Significance.

Blueprint Genetics
Classification: Likely pathogenic for CRX-related disorders. Last evaluated: 2019-12-19. Review status: criteria provided, single submitter. Criteria: ACMG Guidelines, 2015. Collection method: clinical testing. Allele origin: germline. Affected: yes. Observed: 2 variant alleles.

Literature cited by the submitters: PubMed 28041643 (cited by Labcorp Genetics (formerly Invitae), Labcorp); PubMed 32581362 (cited by Labcorp Genetics (formerly Invitae), Labcorp); PubMed 32927963 (cited by Labcorp Genetics (formerly Invitae), Labcorp).